The following is an entry in ClinVar:

ClinVar aggregate classification (germline): Uncertain significance (1 of 4 stars; one submission).

gnomAD v4.1: 8 of 1,614,054 alleles (0.0005%); highest among the groups gnomAD compares: Non-Finnish European, 0.00068%; no homozygotes.

Submission:

Labcorp Genetics (formerly Invitae), Labcorp
Classification: Uncertain significance. Last evaluated: 2025-04-12. Review status: criteria provided, single submitter. Criteria: Invitae Variant Classification Sherloc (09022015). Collection method: clinical testing. Allele origin: germline.
Comment: This sequence change replaces threonine, which is neutral and polar, with alanine, which is neutral and non-polar, at codon 2556 of the KMT2A protein (p.Thr2556Ala). This variant is not present in population databases (gnomAD no frequency). This variant has not been reported in the literature in individuals affected with KMT2A-related conditions. Invitae Evidence Modeling of protein sequence and biophysical properties (such as structural, functional, and spatial information, amino acid conservation, physicochemical variation, residue mobility, and thermodynamic stability) indicates that this missense variant is not expected to disrupt KMT2A protein function with a negative predictive value of 95%. In summary, the available evidence is currently insufficient to determine the role of this variant in disease. Therefore, it has been classified as a Variant of Uncertain Significance.

NM_001197104.2(KMT2A):c.7666A>G (p.Thr2556Ala)

Gene: KMT2A (lysine methyltransferase 2A; plus strand). Cytogenetic location: 11q23.3.
Variant type: single nucleotide variant.
Coding change: c.7666A>G on transcript NM_001197104.2 (MANE Select); coding-DNA position 7666, A replaced by G.
Protein change: p.Thr2556Ala; replaces threonine 2556 with alanine.
Molecular consequence: missense variant.
Genome position (GRCh38, 1-based): chr11:118,503,558, A>G. VCF-style: chr11-118503558-A-G. GRCh37 (hg19) VCF-style: chr11-118374273-A-G.
Other names: c.7756A>G, p.Thr2586Ala (NM_001412597.1); c.7657A>G, p.Thr2553Ala (NM_005933.4); short protein forms T2556A, T2586A, T2553A.
Identifiers: ClinVar variation 4692334 (VCV004692334.1).